The following is an entry in ClinVar:

NM_001563.4(IMPG1):c.631G>A (p.Asp211Asn)

Gene: IMPG1 (interphotoreceptor matrix proteoglycan 1; minus strand). Cytogenetic location: 6q14.1.
Variant type: single nucleotide variant.
Coding change: c.631G>A on transcript NM_001563.4 (MANE Select); coding-DNA position 631, G replaced by A.
Protein change: p.Asp211Asn; replaces aspartic acid 211 with asparagine.
Molecular consequence: missense variant.
Genome position (GRCh38, 1-based): chr6:76,022,151, C>T on the plus strand (G>A on the coding strand, the complement: IMPG1 is on the minus strand). VCF-style: chr6-76022151-C-T. GRCh37 (hg19) VCF-style: chr6-76731868-C-T.
Other names: c.397G>A, p.Asp133Asn (NM_001282368.2); short protein forms D133N, D211N.
Identifiers: ClinVar variation 916482 (VCV000916482.49), dbSNP rs140678692, ClinGen allele CA3898412.

ClinVar aggregate classification (germline): Conflicting classifications of pathogenicity. Review status: criteria provided, conflicting classifications (1 of 4 stars). 5 submissions from 5 submitters: Uncertain significance (3); Likely benign (1). 1 of the submissions does not count toward it. Last evaluated 2026-03-30.

Conditions:
IMPG1-related disorder. Also called: IMPG1-related condition.

Allele frequency attached by ClinVar (database versions not stated): gnomAD 0.00042 and 0.00044; TOPMed 0.00043; ESP Exome Variant Server 0.00046; gnomAD exomes 0.00048 and 0.00051; ExAC 0.00049.
gnomAD v4.1: 738 of 1,594,940 alleles (0.046%); highest among the groups gnomAD compares: Non-Finnish European, 0.06%; 1 homozygote.

Submissions (5):

PreventionGenetics, part of Exact Sciences
Classification: Uncertain significance for IMPG1-related condition. Last evaluated: 2026-03-30. Review status: criteria provided, single submitter. Criteria: ACMG Guidelines, 2015. Collection method: clinical testing. Allele origin: germline.
Comment: The IMPG1 c.631G>A variant is predicted to result in the amino acid substitution p.Asp211Asn. To our knowledge, this variant has not been reported in the literature. This variant is reported in 0.095% of alleles in individuals of European (Non-Finnish) descent in gnomAD, which may be too frequent to be a primary cause of disease. Although we suspect that this variant may be benign, at this time, the clinical significance of this variant is uncertain due to the absence of conclusive functional and genetic evidence.

Labcorp Genetics (formerly Invitae), Labcorp
Classification: Uncertain significance. Last evaluated: 2026-01-12. Review status: criteria provided, single submitter. Criteria: Invitae Variant Classification Sherloc (09022015). Collection method: clinical testing. Allele origin: germline.
Comment: This sequence change replaces aspartic acid, which is acidic and polar, with asparagine, which is neutral and polar, at codon 211 of the IMPG1 protein (p.Asp211Asn). This variant is present in population databases (rs140678692, gnomAD 0.09%), and has an allele count higher than expected for a pathogenic variant. This variant has not been reported in the literature in individuals affected with IMPG1-related conditions. ClinVar contains an entry for this variant (Variation ID: 916482). An algorithm developed to predict the effect of missense changes on protein structure and function outputs the following: PolyPhen-2: "Benign". The asparagine amino acid residue is found in multiple mammalian species, which suggests that this missense change does not adversely affect protein function. In summary, the available evidence is currently insufficient to determine the role of this variant in disease. Therefore, it has been classified as a Variant of Uncertain Significance.

Blueprint Genetics
Classification: Likely benign. Last evaluated: 2024-11-05. Review status: criteria provided, single submitter. Criteria: ACMG Guidelines, 2015. Collection method: clinical testing. Allele origin: germline.

CeGaT Center for Human Genetics Tuebingen
Classification: Uncertain significance. Last evaluated: 2020-02-01. Review status: criteria provided, single submitter. Criteria: CeGaT Center For Human Genetics Tuebingen Variant Classification Criteria Version 2. Collection method: clinical testing. Allele origin: germline. Affected: yes. Observed: 1 variant allele.

Department of Pathology and Laboratory Medicine, Sinai Health System
Classification: Uncertain significance. Review status: no assertion criteria provided. Collection method: clinical testing. Allele origin: unknown. Affected: yes. Study: The Canadian Open Genetics Repository (COGR). Not counted in ClinVar's aggregate classification.
Comment: The IMPG1 p.Asp133Asn variant was not identified in the literature nor was it identified in ClinVar, Cosmic or LOVD 3.0. The variant was identified in dbSNP (ID: rs140678692) with unknown clinical significance. The variant was identified in control databases in 137 of 282550 chromosomes at a frequency of 0.000485 increasing the likelihood this could be a low frequency benign variant (Genome Aggregation Database Feb 27, 2017). The variant was observed in the following populations: European (non-Finnish) in 123 of 128932 chromosomes (freq: 0.000954), European (Finnish) in 9 of 25120 chromosomes (freq: 0.000358), Other in 1 of 7214 chromosomes (freq: 0.000139), Latino in 3 of 35434 chromosomes (freq: 0.000085) and African in 1 of 24938 chromosomes (freq: 0.00004); it was not observed in the Ashkenazi Jewish, East Asian and South Asian populations. The variant occurs outside of the splicing consensus sequence and in silico or computational prediction software programs (SpliceSiteFinder, MaxEntScan, NNSPLICE, GeneSplicer) do not predict a difference in splicing. The p.Asp133 residue is not conserved in mammals or distantly related organisms and four out of five computational analyses (PolyPhen-2, SIFT, AlignGVGD, BLOSUM) do not suggest a high likelihood of impact to the protein; however, this information is not predictive enough to rule out pathogenicity. In summary, based on the above information the clinical significance of this variant cannot be determined with certainty at this time. This variant is classified as a variant of uncertain significance.